The following is an entry in ClinVar:

NM_014845.6(FIG4):c.491A>G (p.Tyr164Cys)

Gene: FIG4 (FIG4 phosphoinositide 5-phosphatase; plus strand). Cytogenetic location: 6q21.
Variant type: single nucleotide variant.
Coding change: c.491A>G on transcript NM_014845.6 (MANE Select); coding-DNA position 491, A replaced by G.
Protein change: p.Tyr164Cys; replaces tyrosine 164 with cysteine.
Molecular consequence: missense variant.
Genome position (GRCh38, 1-based): chr6:109,732,681, A>G. VCF-style: chr6-109732681-A-G. GRCh37 (hg19) VCF-style: chr6-110053884-A-G.
Other names: short protein forms Y164C.
Identifiers: ClinVar variation 4025062 (VCV004025062.1).

ClinVar aggregate classification (germline): Uncertain significance (1 of 4 stars; one submission).

Conditions:
Inborn genetic diseases. Identifiers: MedGen C0950123, MeSH D030342.

Submission:

Ambry Genetics
Classification: Uncertain significance for Inborn genetic diseases. Last evaluated: 2025-05-24. Review status: criteria provided, single submitter. Criteria: Ambry Variant Classification Scheme 2023. Collection method: clinical testing. Allele origin: germline.
Comment: The p.Y164C variant (also known as c.491A>G), located in coding exon 5 of the FIG4 gene, results from an A to G substitution at nucleotide position 491. The tyrosine at codon 164 is replaced by cysteine, an amino acid with highly dissimilar properties. This amino acid position is conserved. In addition, this alteration is predicted to be deleterious by in silico analysis. Based on the available evidence, the clinical significance of this variant remains unclear.